The following is an entry in ClinVar:

NM_000179.3(MSH6):c.358A>T (p.Ile120Phe)

Gene: MSH6 (mutS homolog 6; plus strand). Cytogenetic location: 2p16.3.
Variant type: single nucleotide variant.
Coding change: c.358A>T on transcript NM_000179.3 (MANE Select); coding-DNA position 358, A replaced by T.
Protein change: p.Ile120Phe; replaces isoleucine 120 with phenylalanine.
Molecular consequence: missense variant. On other transcripts: 5 prime UTR variant (2), intron variant (1).
Genome position (GRCh38, 1-based): chr2:47,791,024, A>T. VCF-style: chr2-47791024-A-T. GRCh37 (hg19) VCF-style: chr2-48018163-A-T.
Other names: c.358A>T (NM_000179.2); c.-379A>T (NM_001281493.2); c.-545A>T (NM_001281494.2); c.237+7554A>T (NM_001281492.2); short protein forms I120F.
Identifiers: ClinVar variation 1500049 (VCV001500049.9), dbSNP rs146455343, ClinGen allele CA346737005.

ClinVar aggregate classification (germline): Uncertain significance. Review status: criteria provided, multiple submitters, no conflicts (2 of 4 stars). 2 submissions from 2 submitters: Uncertain significance (2). Last evaluated 2025-11-12.

Conditions:
Hereditary cancer-predisposing syndrome. Also called: Tumor predisposition; Hereditary neoplastic syndrome; Neoplastic Syndromes, Hereditary; Hereditary Cancer Syndrome. Identifiers: Orphanet 140162, MedGen C0027672, MeSH D009386, MONDO:0015356.
Hereditary nonpolyposis colorectal neoplasms. Identifiers: MedGen C0009405, MeSH D003123.

Submissions (2):

Ambry Genetics
Classification: Uncertain significance for Hereditary cancer-predisposing syndrome. Last evaluated: 2025-11-12. Review status: criteria provided, single submitter. Criteria: Ambry Variant Classification Scheme 2023. Collection method: clinical testing. Allele origin: germline.
Comment: The p.I120F variant (also known as c.358A>T), located in coding exon 2 of the MSH6 gene, results from an A to T substitution at nucleotide position 358. The isoleucine at codon 120 is replaced by phenylalanine, an amino acid with highly similar properties. This amino acid position is conserved. In addition, this alteration is predicted to be tolerated by in silico analysis. Based on the available evidence, the clinical significance of this variant remains unclear.

Labcorp Genetics (formerly Invitae), Labcorp
Classification: Uncertain significance for Hereditary nonpolyposis colorectal neoplasms. Last evaluated: 2024-08-13. Review status: criteria provided, single submitter. Criteria: Invitae Variant Classification Sherloc (09022015). Collection method: clinical testing. Allele origin: germline.
Comment: This sequence change replaces isoleucine, which is neutral and non-polar, with phenylalanine, which is neutral and non-polar, at codon 120 of the MSH6 protein (p.Ile120Phe). This variant is not present in population databases (gnomAD no frequency). This variant has not been reported in the literature in individuals affected with MSH6-related conditions. ClinVar contains an entry for this variant (Variation ID: 1500049). Advanced modeling of protein sequence and biophysical properties (such as structural, functional, and spatial information, amino acid conservation, physicochemical variation, residue mobility, and thermodynamic stability) performed at Invitae indicates that this missense variant is not expected to disrupt MSH6 protein function with a negative predictive value of 95%. In summary, the available evidence is currently insufficient to determine the role of this variant in disease. Therefore, it has been classified as a Variant of Uncertain Significance.